The following is an entry in ClinVar:

ClinVar aggregate classification (germline): Uncertain significance. Review status: criteria provided, single submitter (1 of 4 stars). 2 submissions from 2 submitters: Uncertain significance (1). 1 of the submissions does not count toward it. Last evaluated 2019-10-16.

Conditions:
Leber congenital amaurosis 13 (LCA13). Identifiers: MedGen C2675186, MONDO:0012990, OMIM 612712.
Leber congenital amaurosis (LCA). Also called: Leber's amaurosis. Identifiers: Orphanet 65, MedGen C0339527, MeSH D057130, MONDO:0018998.

Allele frequency attached by ClinVar (database versions not stated): gnomAD exomes below 0.00001 and 0.00001; ExAC 0.00001; gnomAD 0.00004 and 0.00005; TOPMed 0.00005; 1000 Genomes Project 0.00020; 1000 Genomes Project 30x 0.00031.
gnomAD v4.1: 13 of 1,607,910 alleles (0.00081%); highest among the groups gnomAD compares: African/African-American, 0.015%; no homozygotes.

Submissions (2):

Labcorp Genetics (formerly Invitae), Labcorp
Classification: Uncertain significance for Leber congenital amaurosis 13. Last evaluated: 2019-10-16. Review status: criteria provided, single submitter. Criteria: Invitae Variant Classification Sherloc (09022015). Collection method: clinical testing. Allele origin: germline.
Comment: This sequence change falls in intron 4 of the RDH12 gene. It does not directly change the encoded amino acid sequence of the RDH12 protein, but it affects a nucleotide within the consensus splice site of the intron. This variant is present in population databases (rs568731074, ExAC 0.01%). This variant has not been reported in the literature in individuals with RDH12-related conditions. Nucleotide substitutions within the consensus splice site are a relatively common cause of aberrant splicing (PMID: 17576681, 9536098). Algorithms developed to predict the effect of sequence changes on RNA splicing suggest that this variant is not likely to affect RNA splicing, but this prediction has not been confirmed by published transcriptional studies. In summary, the available evidence is currently insufficient to determine the role of this variant in disease. Therefore, it has been classified as a Variant of Uncertain Significance.

Natera, Inc.
Classification: Uncertain significance for Leber congenital amaurosis. Last evaluated: 2020-03-03. Review status: no assertion criteria provided. Collection method: clinical testing. Allele origin: germline. Not counted in ClinVar's aggregate classification.

Literature cited by the submitters: PubMed 17576681 (cited by Labcorp Genetics (formerly Invitae), Labcorp); PubMed 9536098 (cited by Labcorp Genetics (formerly Invitae), Labcorp).

NM_152443.3(RDH12):c.187+3A>G

Genes: GPHN (gephyrin; plus strand), RDH12 (retinol dehydrogenase 12; plus strand). Cytogenetic location: 14q24.1.
Variant type: single nucleotide variant.
Coding change: c.187+3A>G on transcript NM_152443.3 (MANE Select); 3 bases into the intron after coding-DNA position 187, A replaced by G.
Molecular consequence: intron variant.
Genome position (GRCh38, 1-based): chr14:67,724,594, A>G. VCF-style: chr14-67724594-A-G. GRCh37 (hg19) VCF-style: chr14-68191311-A-G.
Identifiers: ClinVar variation 965097 (VCV000965097.4), dbSNP rs568731074, ClinGen allele CA7238626.